The following is an entry in ClinVar:

ClinVar aggregate classification (germline): Uncertain significance (1 of 4 stars; one submission).

Conditions:
Amyloidosis, hereditary systemic 1 (AMYLD1). Also called: Familial amyloid polyneuropathy; Transthyretin Amyloidosis; AMYLOID CARDIOMYOPATHY; Hereditary oculoleptomeningeal amyloid angiopathy; Familial Transthyretin Amyloidosis; Isolated Cardiac Amyloidosis. Identifiers: Orphanet 85447, Orphanet 85451, MedGen C2751492, MONDO:0971004, OMIM 105210.

Submission:

Labcorp Genetics (formerly Invitae), Labcorp
Classification: Uncertain significance for Amyloidosis, hereditary systemic 1. Last evaluated: 2024-04-08. Review status: criteria provided, single submitter. Criteria: Invitae Variant Classification Sherloc (09022015). Collection method: clinical testing. Allele origin: germline.
Comment: This sequence change replaces methionine, which is neutral and non-polar, with lysine, which is basic and polar, at codon 33 of the TTR protein (p.Met33Lys). This variant is not present in population databases (gnomAD no frequency). This variant has not been reported in the literature in individuals affected with TTR-related conditions. Advanced modeling of protein sequence and biophysical properties (such as structural, functional, and spatial information, amino acid conservation, physicochemical variation, residue mobility, and thermodynamic stability) performed at Invitae indicates that this missense variant is expected to disrupt TTR protein function with a positive predictive value of 95%. In summary, the available evidence is currently insufficient to determine the role of this variant in disease. Therefore, it has been classified as a Variant of Uncertain Significance.

NM_000371.4(TTR):c.98T>A (p.Met33Lys)

Gene: TTR (transthyretin; plus strand). Cytogenetic location: 18q12.1.
Variant type: single nucleotide variant.
Coding change: c.98T>A on transcript NM_000371.4 (MANE Select); coding-DNA position 98, T replaced by A.
Protein change: p.Met33Lys; replaces methionine 33 with lysine.
Molecular consequence: missense variant.
Genome position (GRCh38, 1-based): chr18:31,592,924, T>A. VCF-style: chr18-31592924-T-A. GRCh37 (hg19) VCF-style: chr18-29172887-T-A.
Other names: short protein forms M33K.
Identifiers: ClinVar variation 2704993 (VCV002704993.3), dbSNP rs768273993, ClinGen allele CA402156541.